The following is an entry in ClinVar:

NM_006445.4(PRPF8):c.680G>A (p.Arg227His)

Gene: PRPF8 (pre-mRNA processing factor 8; minus strand). Cytogenetic location: 17p13.3.
Variant type: single nucleotide variant.
Coding change: c.680G>A on transcript NM_006445.4 (MANE Select); coding-DNA position 680, G replaced by A.
Protein change: p.Arg227His; replaces arginine 227 with histidine.
Molecular consequence: missense variant.
Genome position (GRCh38, 1-based): chr17:1,681,664, C>T on the plus strand (G>A on the coding strand, the complement: PRPF8 is on the minus strand). VCF-style: chr17-1681664-C-T. GRCh37 (hg19) VCF-style: chr17-1584958-C-T.
Other names: short protein forms R227H.
Identifiers: ClinVar variation 4880904 (VCV004880904.2).

ClinVar aggregate classification (germline): Uncertain significance (1 of 4 stars; one submission).

gnomAD v4.1: 12 of 1,613,976 alleles (0.00074%); highest among the groups gnomAD compares: East Asian, 0.0022%; 1 homozygote.

Submission:

Dasa
Classification: Uncertain significance. Last evaluated: 2025-08-17. Review status: criteria provided, single submitter. Criteria: DASA Assertion Criteria. Collection method: clinical testing. Allele origin: germline.
Comment: NM_006445.4(PRPF8):c.680G>A (p.Arg227His) is a missense variant that results in the substitution of arginine with histidine. This variant is rare in population databases. The currently available literature and clinical evidence are not sufficient to establish a definitive association between this variant and the reported condition. Therefore, this variant is classified as a variant of uncertain significance.